The following is an entry in ClinVar:

NM_144631.6(ZNF513):c.182A>C (p.Gln61Pro)

Gene: ZNF513 (zinc finger protein 513; minus strand). Cytogenetic location: 2p23.3.
Variant type: single nucleotide variant.
Coding change: c.182A>C on transcript NM_144631.6 (MANE Select); coding-DNA position 182, A replaced by C.
Protein change: p.Gln61Pro; replaces glutamine 61 with proline.
Molecular consequence: missense variant. On other transcripts: 5 prime UTR variant (1).
Genome position (GRCh38, 1-based): chr2:27,380,122, T>G on the plus strand (A>C on the coding strand, the complement: ZNF513 is on the minus strand). VCF-style: chr2-27380122-T-G. GRCh37 (hg19) VCF-style: chr2-27602989-T-G.
Other names: c.-5A>C (NM_001201459.2); short protein forms Q61P.
Identifiers: ClinVar variation 3642948 (VCV003642948.2).

ClinVar aggregate classification (germline): Uncertain significance (1 of 4 stars; one submission).

Submission:

Labcorp Genetics (formerly Invitae), Labcorp
Classification: Uncertain significance. Last evaluated: 2025-02-25. Review status: criteria provided, single submitter. Criteria: Invitae Variant Classification Sherloc (09022015). Collection method: clinical testing. Allele origin: germline.
Comment: This sequence change replaces glutamine, which is neutral and polar, with proline, which is neutral and non-polar, at codon 61 of the ZNF513 protein (p.Gln61Pro). This variant is not present in population databases (gnomAD no frequency). This variant has not been reported in the literature in individuals affected with ZNF513-related conditions. An algorithm developed to predict the effect of missense changes on protein structure and function (PolyPhen-2) suggests that this variant is likely to be tolerated. In summary, the available evidence is currently insufficient to determine the role of this variant in disease. Therefore, it has been classified as a Variant of Uncertain Significance.